The following is an entry in ClinVar:

ClinVar aggregate classification (germline): Pathogenic/Likely pathogenic. Review status: criteria provided, multiple submitters, no conflicts (2 of 4 stars). 2 submissions from 2 submitters: Pathogenic (1); Likely pathogenic (1). Last evaluated 2025-05-07.

Conditions:
Hypertrophic cardiomyopathy 4. Also called: Familial hypertrophic cardiomyopathy 4. Identifiers: MedGen C1861862, MONDO:0007268, OMIM 115197.

Submissions (2):

GeneDx
Classification: Pathogenic. Last evaluated: 2025-05-07. Review status: criteria provided, single submitter. Criteria: GeneDx Variant Classification Process June 2021. Collection method: clinical testing. Allele origin: germline. Affected: yes.
Comment: Frameshift variant predicted to result in protein truncation or nonsense mediated decay in a gene for which loss of function is a known mechanism of disease; Not observed at significant frequency in large population cohorts (gnomAD); Has not been previously published as pathogenic or benign to our knowledge

3billion
Classification: Likely pathogenic for Hypertrophic cardiomyopathy 4. Last evaluated: 2022-05-22. Review status: criteria provided, single submitter. Criteria: ACMG Guidelines, 2015. Collection method: clinical testing. Allele origin: germline. Affected: yes. Observed: 1 heterozygote.
Comment: The variant is not observed in the gnomAD v2.1.1 dataset. Frameshift: predicted to result in a loss or disruption of normal protein function through nonsense-mediated decay (NMD) or protein truncation. Multiple pathogenic variants are reported downstream of the variant. Therefore, this variant is classified as likely pathogenic according to the recommendation of ACMG/AMP guideline.

NM_000256.3(MYBPC3):c.1526_1527del (p.Arg509fs)

Gene: MYBPC3 (myosin binding protein C3; minus strand). Cytogenetic location: 11p11.2.
Variant type: Microsatellite.
Coding change: c.1526_1527del on transcript NM_000256.3 (MANE Select); coding-DNA positions 1526 to 1527, 2 bases deleted (GA; older notation c.1526_1527delGA).
Protein change: p.Arg509fs; shifts the reading frame from arginine 509.
Molecular consequence: frameshift variant.
Genome position (GRCh38, 1-based): chr11:47,342,675-47,342,676, TC deleted on the plus strand (GA on the coding strand, the reverse complement: MYBPC3 is on the minus strand); deleting any 2 consecutive bases within chr11:47,342,675-47,342,679 gives the same sequence; the c. name uses the placement nearest the transcript's 3' end. VCF-style (leftmost placement, unchanged base first): chr11-47342674-GTC-G. GRCh37 (hg19) VCF-style: chr11-47364225-GTC-G.
Other names: short protein forms R509fs.
Identifiers: ClinVar variation 1687419 (VCV001687419.2), dbSNP rs2142861049, ClinGen allele CA2580615691.